The following is an entry in ClinVar:

NM_017534.6(MYH2):c.4629G>C (p.Lys1543Asn)

Genes: MYH2 (myosin heavy chain 2; minus strand), MYHAS (myosin heavy chain gene cluster antisense RNA; plus strand), LOC126862500 (BRD4-independent group 4 enhancer GRCh37_chr17:10427829-10429028; plus strand). Cytogenetic location: 17p13.1.
Variant type: single nucleotide variant.
Coding change: c.4629G>C on transcript NM_017534.6 (MANE Select); coding-DNA position 4629, G replaced by C.
Protein change: p.Lys1543Asn; replaces lysine 1543 with asparagine.
Molecular consequence: missense variant.
Genome position (GRCh38, 1-based): chr17:10,525,257, C>G on the plus strand (G>C on the coding strand, the complement: MYH2 is on the minus strand). VCF-style: chr17-10525257-C-G. GRCh37 (hg19) VCF-style: chr17-10428574-C-G.
Other names: c.4629G>C, p.Lys1543Asn (NM_001100112.2); short protein forms K1543N.
Identifiers: ClinVar variation 953667 (VCV000953667.7), dbSNP rs776862337, ClinGen allele CA398124522.

ClinVar aggregate classification (germline): Uncertain significance (1 of 4 stars; one submission).

Conditions:
Myopathy, proximal, and ophthalmoplegia (CMYO6). Also called: MYOPATHY WITH CONGENITAL JOINT CONTRACTURES, OPHTHALMOPLEGIA, AND RIMMED VACUOLES; CONGENITAL MYOPATHY 6 WITH OPHTHALMOPLEGIA; INCLUSION BODY MYOPATHY 3, AUTOSOMAL DOMINANT. Identifiers: Orphanet 363677, Orphanet 79091, MedGen C1854106, MONDO:0011577, OMIM 605637.

Submission:

Labcorp Genetics (formerly Invitae), Labcorp
Classification: Uncertain significance for Myopathy, proximal, and ophthalmoplegia. Last evaluated: 2019-07-26. Review status: criteria provided, single submitter. Criteria: Invitae Variant Classification Sherloc (09022015). Collection method: clinical testing. Allele origin: germline.
Comment: In summary, the available evidence is currently insufficient to determine the role of this variant in disease. Therefore, it has been classified as a Variant of Uncertain Significance. Algorithms developed to predict the effect of missense changes on protein structure and function (SIFT, PolyPhen-2, Align-GVGD) all suggest that this variant is likely to be disruptive, but these predictions have not been confirmed by published functional studies and their clinical significance is uncertain. This variant has not been reported in the literature in individuals with MYH2-related conditions. This variant is not present in population databases (ExAC no frequency). This sequence change replaces lysine with asparagine at codon 1543 of the MYH2 protein (p.Lys1543Asn). The lysine residue is highly conserved and there is a moderate physicochemical difference between lysine and asparagine.